The following is an entry in ClinVar:

NM_004385.5(VCAN):c.7447C>G (p.Pro2483Ala)

Genes: VCAN (versican; plus strand), VCAN-AS1 (VCAN antisense RNA 1; minus strand). Cytogenetic location: 5q14.3.
Variant type: single nucleotide variant.
Coding change: c.7447C>G on transcript NM_004385.5 (MANE Select); coding-DNA position 7447, C replaced by G.
Protein change: p.Pro2483Ala; replaces proline 2483 with alanine.
Molecular consequence: missense variant. On other transcripts: intron variant (2).
Genome position (GRCh38, 1-based): chr5:83,540,450, C>G. VCF-style: chr5-83540450-C-G. GRCh37 (hg19) VCF-style: chr5-82836269-C-G.
Other names: c.4486C>G, p.Pro1496Ala (NM_001164097.2); c.4004-5087C>G (NM_001164098.2); c.1043-5087C>G (NM_001126336.3); short protein forms P1496A, P2483A.
Identifiers: ClinVar variation 904189 (VCV000904189.5), dbSNP rs1746926635, ClinGen allele CA360314759.

ClinVar aggregate classification (germline): Uncertain significance. Review status: criteria provided, multiple submitters, no conflicts (2 of 4 stars). 3 submissions from 2 submitters: Uncertain significance (3). Last evaluated 2025-10-01.

Conditions:
Wagner disease. Also called: WAGNER VITREORETINAL DEGENERATION; WAGNER VITREORETINOPATHY; Wagner Vitreoretinal Degeneration (Wagner Synrdome); WAGNER SYNDROME 1; HYALOIDEORETINAL DEGENERATION OF WAGNER; Wagner syndrome. Identifiers: Orphanet 898, MedGen C1840452, MONDO:0007740, OMIM 143200.
Vitreoretinopathy. Also called: Vitreoretinal degeneration. Identifiers: MedGen C0344290, MONDO:0020248, HP:0007773.

Allele frequency attached by ClinVar (database versions not stated): gnomAD exomes below 0.00001.
gnomAD v4.1: 1 of 1,613,946 alleles (0.000062%); highest among the groups gnomAD compares: South Asian, 0.0011%; no homozygotes.

Submissions (3):

Labcorp Genetics (formerly Invitae), Labcorp
Classification: Uncertain significance. Last evaluated: 2025-10-01. Review status: criteria provided, single submitter. Criteria: Invitae Variant Classification Sherloc (09022015). Collection method: clinical testing. Allele origin: germline.
Comment: This sequence change replaces proline, which is neutral and non-polar, with alanine, which is neutral and non-polar, at codon 2483 of the VCAN protein (p.Pro2483Ala). This variant is not present in population databases (gnomAD no frequency). This variant has not been reported in the literature in individuals affected with VCAN-related conditions. ClinVar contains an entry for this variant (Variation ID: 904189). An algorithm developed to predict the effect of missense changes on protein structure and function (PolyPhen-2) suggests that this variant is likely to be tolerated. In summary, the available evidence is currently insufficient to determine the role of this variant in disease. Therefore, it has been classified as a Variant of Uncertain Significance.

Illumina Laboratory Services, Illumina
Classification: Uncertain significance for Vitreoretinopathy. Last evaluated: 2018-01-12. Review status: criteria provided, single submitter. Criteria: ICSL Variant Classification Criteria 13 December 2019. Collection method: clinical testing. Allele origin: germline.

Illumina Laboratory Services, Illumina
Classification: Uncertain significance for Wagner disease. Last evaluated: 2018-01-12. Review status: criteria provided, single submitter. Criteria: ICSL Variant Classification Criteria 13 December 2019. Collection method: clinical testing. Allele origin: germline.